The following is an entry in ClinVar:

NM_017433.5(MYO3A):c.3000-11T>C

Gene: MYO3A (myosin IIIA; plus strand). Cytogenetic location: 10p12.1.
Variant type: single nucleotide variant.
Coding change: c.3000-11T>C on transcript NM_017433.5 (MANE Select); 11 bases into the intron before coding-DNA position 3000, T replaced by C.
Molecular consequence: intron variant.
Genome position (GRCh38, 1-based): chr10:26,166,056, T>C. VCF-style: chr10-26166056-T-C. GRCh37 (hg19) VCF-style: chr10-26454985-T-C.
Identifiers: ClinVar variation 45805 (VCV000045805.19), dbSNP rs375346333, ClinGen allele CA137073.
Genomic context (GRCh38, chr10:26,166,056, plus strand): 5'-TGGGGAACCACCAAGCTACAGAGATGTTGGCACTTTATGCAATACTAACCAGCCCTTTTT[T>C]CCATTCCAAGGTACTACCTTCTCTGCTACAAGTCGAGCGAGGAGCCCCGCATGAGCCCTG-3'

ClinVar aggregate classification (germline): Conflicting classifications of pathogenicity. Review status: criteria provided, conflicting classifications (1 of 4 stars). 4 submissions from 4 submitters: Uncertain significance (1); Likely benign (3). Last evaluated 2025-11-08.

Conditions:
Autosomal recessive nonsyndromic hearing loss 30. Identifiers: Orphanet 90636, MedGen C1846784, MONDO:0011774, OMIM 607101.

Allele frequency attached by ClinVar (database versions not stated): ESP Exome Variant Server 0.00023; TOPMed 0.00032; gnomAD 0.00035 and 0.00036; gnomAD exomes 0.00051 and 0.00065; ExAC 0.00107.
gnomAD v4.1: 795 of 1,611,678 alleles (0.049%); highest among the groups gnomAD compares: Non-Finnish European, 0.062%; no homozygotes.

Submissions (4):

Labcorp Genetics (formerly Invitae), Labcorp
Classification: Likely benign. Last evaluated: 2025-11-08. Review status: criteria provided, single submitter. Criteria: Invitae Variant Classification Sherloc (09022015). Collection method: clinical testing. Allele origin: germline.

GeneDx
Classification: Likely benign. Last evaluated: 2020-05-18. Review status: criteria provided, single submitter. Criteria: GeneDx Variant Classification Process June 2021. Collection method: clinical testing. Allele origin: germline. Affected: yes.

Illumina Laboratory Services, Illumina
Classification: Uncertain significance for Autosomal recessive nonsyndromic hearing loss 30. Last evaluated: 2018-01-12. Review status: criteria provided, single submitter. Criteria: ICSL Variant Classification Criteria 13 December 2019. Collection method: clinical testing. Allele origin: germline.

Laboratory for Molecular Medicine, Mass General Brigham Personalized Medicine
Classification: Likely benign. Last evaluated: 2015-06-19. Review status: criteria provided, single submitter. Criteria: LMM Criteria. Collection method: clinical testing. Allele origin: germline. Observed: 2 variant alleles.
Comment: c.3000-11T>C in intron 26 of MYO3A: This variant is not expected to have clinica l significance because a T>C change at this position does not diverge from the s plice consensus sequence and is therefore unlikely to impact splicing. This vari ant has been identified in 0.2% (126/66596) of European chromosomes by the Exome Aggregation Consortium (ExAC; dbSNP rs375346333 ).